The following is an entry in ClinVar:

NM_000548.5(TSC2):c.1771G>C (p.Val591Leu)

Gene: TSC2 (TSC complex subunit 2; plus strand). Cytogenetic location: 16p13.3.
Variant type: single nucleotide variant.
Coding change: c.1771G>C on transcript NM_000548.5 (MANE Select); coding-DNA position 1771, G replaced by C.
Protein change: p.Val591Leu; replaces valine 591 with leucine.
Molecular consequence: missense variant. On other transcripts: non-coding transcript variant (5).
Genome position (GRCh38, 1-based): chr16:2,070,510, G>C. VCF-style: chr16-2070510-G-C. GRCh37 (hg19) VCF-style: chr16-2120511-G-C.
Other names: c.1771G>C, p.Val591Leu (NM_001077183.3, NM_001114382.3, NM_001363528.2 and 6 more transcripts); c.1660G>C, p.Val554Leu (NM_001318827.2, NM_001406678.1, NM_001406670.1); c.1624G>C, p.Val542Leu (NM_001318829.2, NM_001406676.1, NM_001406679.1 and 1 more transcripts); c.1171G>C, p.Val391Leu (NM_001318831.2, NM_001406680.1, NM_001406682.1 and 6 more transcripts); c.1804G>C, p.Val602Leu (NM_001318832.2); c.1714G>C, p.Val572Leu (NM_001406677.1); c.1309G>C, p.Val437Leu (NM_001406681.1); c.427G>C, p.Val143Leu (NM_001406695.1, NM_001406696.1, NM_001406697.1 and 6 more transcripts); and 3 more; short protein forms V57L, V587L, V554L, V572L, V391L, V437L, V542L, V621L.
Identifiers: ClinVar variation 2816663 (VCV002816663.4), dbSNP rs984275273, ClinGen allele CA394272887.

ClinVar aggregate classification (germline): Uncertain significance. Review status: criteria provided, multiple submitters, no conflicts (2 of 4 stars). 2 submissions from 2 submitters: Uncertain significance (2). Last evaluated 2026-07-07.

Conditions:
Tuberous sclerosis 2 (TSC2). Identifiers: Orphanet 805, MedGen C1860707, MONDO:0013199, OMIM 613254.
Hereditary cancer-predisposing syndrome. Also called: Hereditary Cancer Syndrome; Hereditary neoplastic syndrome; Neoplastic Syndromes, Hereditary; Tumor predisposition. Identifiers: Orphanet 140162, MedGen C0027672, MeSH D009386, MONDO:0015356.

Submissions (2):

Ambry Genetics
Classification: Uncertain significance for Hereditary cancer-predisposing syndrome. Last evaluated: 2026-07-07. Review status: criteria provided, single submitter. Criteria: Ambry Variant Classification Scheme 2023. Collection method: clinical testing. Allele origin: germline.
Comment: The p.V591L variant (also known as c.1771G>C), located in coding exon 16 of the TSC2 gene, results from a G to C substitution at nucleotide position 1771. The valine at codon 591 is replaced by leucine, an amino acid with highly similar properties. This amino acid position is conserved. In addition, the in silico prediction for this alteration is inconclusive. Based on the available evidence, the clinical significance of this variant remains unclear.

Labcorp Genetics (formerly Invitae), Labcorp
Classification: Uncertain significance for Tuberous sclerosis 2. Last evaluated: 2022-11-25. Review status: criteria provided, single submitter. Criteria: Invitae Variant Classification Sherloc (09022015). Collection method: clinical testing. Allele origin: germline.
Comment: In summary, the available evidence is currently insufficient to determine the role of this variant in disease. Therefore, it has been classified as a Variant of Uncertain Significance. This sequence change replaces valine, which is neutral and non-polar, with leucine, which is neutral and non-polar, at codon 591 of the TSC2 protein (p.Val591Leu). This variant is not present in population databases (gnomAD no frequency). This variant has not been reported in the literature in individuals affected with TSC2-related conditions. Advanced modeling of protein sequence and biophysical properties (such as structural, functional, and spatial information, amino acid conservation, physicochemical variation, residue mobility, and thermodynamic stability) performed at Invitae indicates that this missense variant is not expected to disrupt TSC2 protein function.